The following is an entry in ClinVar:

ClinVar aggregate classification (germline): Uncertain significance. Review status: criteria provided, multiple submitters, no conflicts (2 of 4 stars). 6 submissions from 6 submitters: Uncertain significance (6). Last evaluated 2025-09-10.

Conditions:
Cardiovascular phenotype. Identifiers: MedGen CN230736.
Arrhythmogenic right ventricular cardiomyopathy (ARVD). Also called: Arrhythmogenic cardiomyopathy; Cardiomyopathy, ARVC; Arrhythmogenic right ventricular dysplasia; Arrhythmogenic Right Ventricular Cardiomyopathy (ARVC). Identifiers: Orphanet 247, MedGen C0349788, MeSH D019571, MONDO:0016587. Disease mechanism: loss of function. Inheritance: Various modes of inheritance.
Cardiomyopathy (CMYO). Also called: Cardiomyopathies. Identifiers: Orphanet 167848, MedGen C0878544, MONDO:0004994, HP:0001638. Inheritance: Various modes of inheritance.
Arrhythmogenic right ventricular dysplasia 9 (ARVD9). Also called: ARRHYTHMOGENIC RIGHT VENTRICULAR DYSPLASIA, FAMILIAL, 9; Arrhythmogenic Right Ventricular Dysplasia/Cardiomyopathy 9. Identifiers: MedGen C1836906, MONDO:0012180, OMIM 609040.

Allele frequency attached by ClinVar (database versions not stated): ExAC below 0.00001; TOPMed below 0.00001; gnomAD exomes 0.00001 and 0.00003.

Submissions (6):

Labcorp Genetics (formerly Invitae), Labcorp
Classification: Uncertain significance for Arrhythmogenic right ventricular dysplasia 9. Last evaluated: 2025-09-10. Review status: criteria provided, single submitter. Criteria: Invitae Variant Classification Sherloc (09022015). Collection method: clinical testing. Allele origin: germline.
Comment: This sequence change replaces proline, which is neutral and non-polar, with serine, which is neutral and polar, at codon 7 of the PKP2 protein (p.Pro7Ser). The frequency data for this variant in the population databases is considered unreliable, as metrics indicate poor data quality at this position in the gnomAD database. This missense change has been observed in individual(s) with arrhythmogenic right ventricular cardiomyopathy (PMID: 33029862). ClinVar contains an entry for this variant (Variation ID: 201992). An algorithm developed to predict the effect of missense changes on protein structure and function outputs the following: PolyPhen-2: "Benign". The serine amino acid residue is found in multiple mammalian species, which suggests that this missense change does not adversely affect protein function. In summary, the available evidence is currently insufficient to determine the role of this variant in disease. Therefore, it has been classified as a Variant of Uncertain Significance.

Ambry Genetics
Classification: Uncertain significance for Cardiovascular phenotype. Last evaluated: 2025-07-09. Review status: criteria provided, single submitter. Criteria: Ambry Variant Classification Scheme 2023. Collection method: clinical testing. Allele origin: germline.
Comment: The p.P7S variant (also known as c.19C>T), located in coding exon 1 of the PKP2 gene, results from a C to T substitution at nucleotide position 19. The proline at codon 7 is replaced by serine, an amino acid with similar properties. This variant was reported in individual(s) with arrhythmogenic right ventricular cardiomyopathy (VanDyke RE et al. J Genet Couns, 2021 Apr;30:503-512). This amino acid position is not well conserved in available vertebrate species. In addition, this alteration is predicted to be tolerated by in silico analysis. Based on the available evidence, the clinical significance of this variant remains unclear.

All of Us Research Program, National Institutes of Health
Classification: Uncertain significance for Arrhythmogenic right ventricular cardiomyopathy. Last evaluated: 2023-10-27. Review status: criteria provided, single submitter. Criteria: ACMG Guidelines, 2015. Collection method: clinical testing. Allele origin: germline. Inheritance: Autosomal dominant inheritance. Observed: 4 variant alleles, 4 heterozygotes.
Comment: This missense variant replaces proline with serine at codon 7 of the PKP2 protein. Computational prediction suggests that this variant may not impact protein structure and function (internally defined REVEL score threshold <= 0.5, PMID: 27666373). To our knowledge, functional studies have not been reported for this variant. This variant has been reported in an individual affected with arrhythmogenic right ventricular cardiomyopathy (Schymanski, 2017). This variant has also been reported in two related individuals affected with dilated cardiomyopathy, as well as in two unaffected family members of the family (PMID: 28045975). This variant has been identified in 3/87500 chromosomes in the general population by the Genome Aggregation Database (gnomAD). The available evidence is insufficient to determine the role of this variant in disease conclusively. Therefore, this variant is classified as a Variant of Uncertain Significance.

This study involves interpretation of variants in research participants for the purpose of population health screening. Participant phenotype was not available at the time of variant classification. Additional details can be found in publication PMID: 35346344, PMCID: PMC8962531

Color Diagnostics, LLC DBA Color Health
Classification: Uncertain significance for Cardiomyopathy. Last evaluated: 2023-10-02. Review status: criteria provided, single submitter. Criteria: ACMG Guidelines, 2015. Collection method: clinical testing. Allele origin: germline.
Comment: This missense variant replaces proline with serine at codon 7 of the PKP2 protein. Computational prediction suggests that this variant may not impact protein structure and function (internally defined REVEL score threshold <= 0.5, PMID: 27666373). To our knowledge, functional studies have not been reported for this variant. This variant has been reported in an individual affected with arrhythmogenic right ventricular cardiomyopathy (PMID: 33029862) and has also been reported in two related individuals affected with dilated cardiomyopathy, as well as in two unaffected family members of the family (PMID: 28045975). This variant has been identified in 3/87500 chromosomes in the general population by the Genome Aggregation Database (gnomAD). The available evidence is insufficient to determine the role of this variant in disease conclusively. Therefore, this variant is classified as a Variant of Uncertain Significance.

Blueprint Genetics
Classification: Uncertain significance. Last evaluated: 2020-03-20. Review status: criteria provided, single submitter. Criteria: ACMG Guidelines, 2015. Collection method: clinical testing. Allele origin: germline.

GeneDx
Classification: Uncertain significance. Last evaluated: 2013-05-06. Review status: criteria provided, single submitter. Criteria: GeneDx Variant Classification (06012015). Collection method: clinical testing. Allele origin: germline. Affected: yes.
Comment: p.Pro7Ser (CCA>TCA): c.19 C>T in exon 1 of the PKP2 gene (NM_004572.3). The Pro7Ser variant in the PKP2 gene has not been reported as a disease-causing mutation or as a benign polymorphism to our knowledge. Pro7Ser results in a non-conservative amino acid substitution of a nonpolar Proline residue with a polar Serine residue. Conservation of this residue and this region of the protein throughout evolution could not be assessed due to poor sequence alignment with other species. Mutations in nearby residues have not been reported (Van der Zwaag P et al., 2009) indicating this region of the protein may tolerate change. The Pro7Ser variant was not observed in approximately 5000 individuals of European and African American ancestry in the NHLBI Exome Sequencing Project (average read depth 4X). With the clinical and molecular information available at this time, we cannot definitively determine if Pro7Ser is a disease-causing mutation or a rare benign variant. The variant is found in ARVC panel(s).

Literature cited by the submitters: PubMed 33029862 (cited by 3 submitters); PubMed 28045975 (cited by All of Us Research Program, National Institutes of Health and Color Diagnostics, LLC DBA Color Health).

NM_001005242.3(PKP2):c.19C>T (p.Pro7Ser)

Gene: PKP2 (plakophilin 2; minus strand). Cytogenetic location: 12p11.21.
Variant type: single nucleotide variant.
Coding change: c.19C>T on transcript NM_001005242.3 (MANE Select); coding-DNA position 19, C replaced by T.
Protein change: p.Pro7Ser; replaces proline 7 with serine.
Molecular consequence: missense variant.
Genome position (GRCh38, 1-based): chr12:32,896,713, G>A on the plus strand (C>T on the coding strand, the complement: PKP2 is on the minus strand). VCF-style: chr12-32896713-G-A. GRCh37 (hg19) VCF-style: chr12-33049647-G-A.
Other names: p.P7S:CCA>TCA; c.19C>T, p.Pro7Ser (NM_004572.4); short protein forms P7S.
Identifiers: ClinVar variation 201992 (VCV000201992.16), dbSNP rs764645176, ClinGen allele CA011624.